The following is an entry in ClinVar:

NM_144997.7(FLCN):c.1117C>T (p.Gln373Ter)

Gene: FLCN (folliculin; minus strand). Cytogenetic location: 17p11.2.
Variant type: single nucleotide variant.
Coding change: c.1117C>T on transcript NM_144997.7 (MANE Select); coding-DNA position 1117, C replaced by T.
Protein change: p.Gln373Ter; replaces glutamine 373 with a stop codon.
Molecular consequence: nonsense.
Genome position (GRCh38, 1-based): chr17:17,217,128, G>A on the plus strand (C>T on the coding strand, the complement: FLCN is on the minus strand). VCF-style: chr17-17217128-G-A. GRCh37 (hg19) VCF-style: chr17-17120442-G-A.
Other names: c.1171C>T, p.Gln391Ter (NM_001353229.2); c.1117C>T, p.Gln373Ter (NM_001353230.2, NM_001353231.2); c.1117C>T, p.Gln373* (LRG_325t1); short protein forms Q373*, Q391*.
Identifiers: ClinVar variation 96469 (VCV000096469.37), dbSNP rs398124524, ClinGen allele CA193155.

ClinVar aggregate classification (germline): Pathogenic. Review status: criteria provided, multiple submitters, no conflicts (2 of 4 stars). 6 submissions from 6 submitters: Pathogenic (6). Last evaluated 2025-10-20.

Conditions:
FLCN-related disorders.
Hereditary cancer-predisposing syndrome. Also called: Tumor predisposition; Neoplastic Syndromes, Hereditary; Hereditary Cancer Syndrome; Hereditary neoplastic syndrome. Identifiers: Orphanet 140162, MedGen C0027672, MeSH D009386, MONDO:0015356.
Birt-Hogg-Dube syndrome. Also called: Birt Hogg Dubé syndrome. Identifiers: Orphanet 122, MedGen C0346010, MONDO:0800444.

gnomAD v4.1: 5 of 1,614,140 alleles (0.00031%); highest among the groups gnomAD compares: Non-Finnish European, 0.00034%; no homozygotes.

Submissions (6):

Ambry Genetics
Classification: Pathogenic for Hereditary cancer-predisposing syndrome. Last evaluated: 2025-10-20. Review status: criteria provided, single submitter. Criteria: Ambry Variant Classification Scheme 2023. Collection method: clinical testing. Allele origin: germline.
Comment: The p.Q373* pathogenic mutation (also known as c.1117C>T), located in coding exon 7 of the FLCN gene, results from a C to T substitution at nucleotide position 1117. This changes the amino acid from a glutamine to a stop codon within coding exon 7. In addition to the clinical data presented in the literature, this alteration is expected to result in loss of function by premature protein truncation or nonsense-mediated mRNA decay. As such, this alteration is interpreted as a disease-causing mutation.

Labcorp Genetics (formerly Invitae), Labcorp
Classification: Pathogenic for Birt-Hogg-Dube syndrome. Last evaluated: 2025-02-04. Review status: criteria provided, single submitter. Criteria: Invitae Variant Classification Sherloc (09022015). Collection method: clinical testing. Allele origin: germline.
Comment: This sequence change creates a premature translational stop signal (p.Gln373*) in the FLCN gene. It is expected to result in an absent or disrupted protein product. Loss-of-function variants in FLCN are known to be pathogenic (PMID: 15852235). This variant is not present in population databases (gnomAD no frequency). This premature translational stop signal has been observed in individual(s) with Birt-Hogg-Dubé syndrome (BHDS) (PMID: 22679611). ClinVar contains an entry for this variant (Variation ID: 96469). For these reasons, this variant has been classified as Pathogenic.

Blueprint Genetics
Classification: Pathogenic for FLCN-related disorders. Last evaluated: 2024-07-23. Review status: criteria provided, single submitter. Criteria: ACMG Guidelines, 2015. Collection method: clinical testing. Allele origin: germline. Affected: yes. Observed: 1 variant allele.

CeGaT Center for Human Genetics Tuebingen
Classification: Pathogenic. Last evaluated: 2024-06-01. Review status: criteria provided, single submitter. Criteria: CeGaT Center For Human Genetics Tuebingen Variant Classification Criteria Version 2. Collection method: clinical testing. Allele origin: germline. Affected: yes. Observed: 2 variant alleles.
Comment: FLCN: PVS1, PM2, PS4:Supporting

GeneDx
Classification: Pathogenic. Last evaluated: 2024-04-08. Review status: criteria provided, single submitter. Criteria: GeneDx Variant Classification Process June 2021. Collection method: clinical testing. Allele origin: germline. Affected: yes.
Comment: Nonsense variant predicted to result in protein truncation or nonsense mediated decay in a gene for which loss-of-function is a known mechanism of disease; Not observed at significant frequency in large population cohorts (gnomAD); This variant is associated with the following publications: (PMID: 29357828, 36744932, 22679611)

Eurofins Ntd Llc (ga)
Classification: Pathogenic. Last evaluated: 2013-07-08. Review status: criteria provided, single submitter. Criteria: EGL Classification Definitions 2015. Collection method: clinical testing. Allele origin: germline. Observed: 2 variant alleles, 2 heterozygotes.

Literature cited by the submitters: PubMed 22679611 (cited by Ambry Genetics and Labcorp Genetics (formerly Invitae), Labcorp); PubMed 15852235 (cited by Labcorp Genetics (formerly Invitae), Labcorp).